The following is an entry in ClinVar:

ClinVar aggregate classification (germline): Uncertain significance (1 of 4 stars; one submission).

Allele frequency attached by ClinVar (database versions not stated): ExAC 0.00001; gnomAD 0.00001; gnomAD exomes 0.00001; TOPMed 0.00002.

Submission:

Labcorp Genetics (formerly Invitae), Labcorp
Classification: Uncertain significance. Last evaluated: 2023-09-27. Review status: criteria provided, single submitter. Criteria: Invitae Variant Classification Sherloc (09022015). Collection method: clinical testing. Allele origin: germline.
Comment: In summary, the available evidence is currently insufficient to determine the role of this variant in disease. Therefore, it has been classified as a Variant of Uncertain Significance. An algorithm developed to predict the effect of missense changes on protein structure and function (PolyPhen-2) suggests that this variant is likely to be disruptive. ClinVar contains an entry for this variant (Variation ID: 1929695). This variant has not been reported in the literature in individuals affected with DMXL2-related conditions. This variant is present in population databases (rs760663773, gnomAD 0.0009%). This sequence change replaces arginine, which is basic and polar, with cysteine, which is neutral and slightly polar, at codon 1720 of the DMXL2 protein (p.Arg1720Cys).

NM_001378457.1(DMXL2):c.5158C>T (p.Arg1720Cys)

Gene: DMXL2 (Dmx like 2; minus strand). Cytogenetic location: 15q21.2.
Variant type: single nucleotide variant.
Coding change: c.5158C>T on transcript NM_001378457.1 (MANE Select); coding-DNA position 5158, C replaced by T.
Protein change: p.Arg1720Cys; replaces arginine 1720 with cysteine.
Molecular consequence: missense variant. On other transcripts: non-coding transcript variant (2).
Genome position (GRCh38, 1-based): chr15:51,488,013, G>A on the plus strand (C>T on the coding strand, the complement: DMXL2 is on the minus strand). VCF-style: chr15-51488013-G-A. GRCh37 (hg19) VCF-style: chr15-51780210-G-A.
Other names: c.5158C>T, p.Arg1720Cys (NM_001174116.3, NM_001378458.1, NM_001378459.1 and 4 more transcripts); c.3250C>T, p.Arg1084Cys (NM_001174117.3); c.3139C>T, p.Arg1047Cys (NM_001378460.1); c.4918C>T, p.Arg1640Cys (NM_001378464.1); short protein forms R1047C, R1640C, R1720C, R1084C.
Identifiers: ClinVar variation 1929695 (VCV001929695.4), dbSNP rs760663773, ClinGen allele CA7561855.